The following is an entry in ClinVar:

ClinVar aggregate classification (germline): Uncertain significance (1 of 4 stars; one submission).

Conditions:
Ataxia-telangiectasia syndrome (AT). Also called: AT, COMPLEMENTATION GROUP C; Ataxia telangiectasia (A-T); LOUIS-BAR SYNDROME; Ataxia-telangiectasia, complementation group D; Ataxia-telangiectasia, complementation group E; ATAXIA-TELANGIECTASIA, COMPLEMENTATION GROUP A. Identifiers: Orphanet 100, MedGen C0004135, MONDO:0008840, OMIM 208900.

Submission:

Labcorp Genetics (formerly Invitae), Labcorp
Classification: Uncertain significance for Ataxia-telangiectasia syndrome. Last evaluated: 2022-03-03. Review status: criteria provided, single submitter. Criteria: Invitae Variant Classification Sherloc (09022015). Collection method: clinical testing. Allele origin: germline.
Comment: In summary, the available evidence is currently insufficient to determine the role of this variant in disease. Therefore, it has been classified as a Variant of Uncertain Significance. Advanced modeling of protein sequence and biophysical properties (such as structural, functional, and spatial information, amino acid conservation, physicochemical variation, residue mobility, and thermodynamic stability) performed at Invitae indicates that this missense variant is not expected to disrupt ATM protein function. This variant has not been reported in the literature in individuals affected with ATM-related conditions. This variant is not present in population databases (gnomAD no frequency). This sequence change replaces histidine, which is basic and polar, with proline, which is neutral and non-polar, at codon 1082 of the ATM protein (p.His1082Pro).

NM_000051.4(ATM):c.3245A>C (p.His1082Pro)

Gene: ATM (ATM serine/threonine kinase; plus strand). Cytogenetic location: 11q22.3.
Variant type: single nucleotide variant.
Coding change: c.3245A>C on transcript NM_000051.4 (MANE Select); coding-DNA position 3245, A replaced by C.
Protein change: p.His1082Pro; replaces histidine 1082 with proline.
Molecular consequence: missense variant.
Genome position (GRCh38, 1-based): chr11:108,272,813, A>C. VCF-style: chr11-108272813-A-C. GRCh37 (hg19) VCF-style: chr11-108143540-A-C.
Other names: c.3245A>C, p.His1082Pro (NM_001351834.2); short protein forms H1082P.
Identifiers: ClinVar variation 2105919 (VCV002105919.4), dbSNP rs1009749513, ClinGen allele CA382516022.
Genomic context (GRCh38, chr11:108,272,813, plus strand): 5'-ATGTAATGGGAAAAGACTTTCCTGTAAATGAAGTATTTACACAATTTCTTGCTGACAATC[A>C]TCACCAAGTTCGCATGTTGGCTGCAGAGTCAATCAATAGGTAATGGGTCAAATATTCATG-3'
Protein context (NP_000042.3, residues 1072-1092): EVFTQFLADN[His1082Pro]HQVRMLAAES